The following is an entry in ClinVar:

ClinVar aggregate classification (germline): Likely benign (1 of 4 stars; one submission).

Allele frequency attached by ClinVar (database versions not stated): gnomAD 0.00001; TOPMed 0.00002; gnomAD exomes 0.00003; ExAC 0.00006; 1000 Genomes Project 30x 0.00016; 1000 Genomes Project 0.00020.
gnomAD v4.1: 50 of 1,589,936 alleles (0.0031%); highest among the groups gnomAD compares: Middle Eastern, 0.1%; no homozygotes.

Submission:

CeGaT Center for Human Genetics Tuebingen
Classification: Likely benign. Last evaluated: 2022-07-01. Review status: criteria provided, single submitter. Criteria: CeGaT Center For Human Genetics Tuebingen Variant Classification Criteria Version 2. Collection method: clinical testing. Allele origin: germline. Affected: yes. Observed: 1 variant allele.
Comment: NOL4L: BP4, BP7

NM_001256798.2(NOL4L):c.1065C>T (p.Cys355=)

Gene: NOL4L (nucleolar protein 4 like; minus strand). Cytogenetic location: 20q11.21.
Variant type: single nucleotide variant.
Coding change: c.1065C>T on transcript NM_001256798.2 (MANE Select); coding-DNA position 1065, C replaced by T.
Protein change: p.Cys355=; no amino-acid change (cysteine 355 retained).
Molecular consequence: synonymous variant.
Genome position (GRCh38, 1-based): chr20:32,456,172, G>A on the plus strand (C>T on the coding strand, the complement: NOL4L is on the minus strand). VCF-style: chr20-32456172-G-A. GRCh37 (hg19) VCF-style: chr20-31043975-G-A.
Other names: c.333C>T, p.Cys111= (NM_001351680.2, NM_080616.6).
Identifiers: ClinVar variation 2652256 (VCV002652256.24), dbSNP rs577281862, ClinGen allele CA9809376.